The following is an entry in ClinVar:

ClinVar aggregate classification (germline): Pathogenic. Review status: criteria provided, single submitter (1 of 4 stars). 2 submissions from 2 submitters: Pathogenic (1). 1 of the submissions does not count toward it. Last evaluated 2022-11-15.

Conditions:
Metaphyseal chondrodysplasia, McKusick type (CHH). Also called: Cartilage-hair hypoplasia; Cartilage-Hair Hypoplasia (CHH). Identifiers: Orphanet 175, MedGen C0220748, MONDO:0009595, OMIM 250250.
Anauxetic dysplasia. Identifiers: Orphanet 93347, MedGen C1846796, MONDO:0011773.

Submissions (2):

Labcorp Genetics (formerly Invitae), Labcorp
Classification: Pathogenic for Anauxetic dysplasia. Last evaluated: 2022-11-15. Review status: criteria provided, single submitter. Criteria: Invitae Variant Classification Sherloc (09022015). Collection method: clinical testing. Allele origin: germline.
Comment: ClinVar contains an entry for this variant (Variation ID: 971991). While this particular variant has not been reported in the literature, it is located in the promoter region between the TATA box and the transcription initiation site, and other insertions and duplications immediately upstream of the coding sequence have been reported in individuals affected with cartilage-hair hypoplasia-anauxetic dysplasia (CHH-AD) spectrum disorders (PMID: 16244706, 11207361, 12107819). This variant is not present in population databases (gnomAD no frequency). This variant occurs in the RMRP gene, which encodes an RNA molecule that does not result in a protein product. For these reasons, this variant has been classified as Pathogenic. Algorithms developed to predict the effect of sequence changes on RNA splicing suggest that this variant may disrupt the consensus splice site. While functional studies for this variant have not been reported, experimental analyses using patient derived cells, as well as in vitro transfection studies, have shown that promoter insertions result in silencing of RMRP transcription and reduced expression of the gene product (PMID: 11207361, 16254002).

Natera, Inc.
Classification: Likely pathogenic for Cartilage-hair hypoplasia. Last evaluated: 2021-07-08. Review status: no assertion criteria provided. Collection method: clinical testing. Allele origin: germline. Not counted in ClinVar's aggregate classification.

Literature cited by the submitters: PubMed 16244706 (cited by Labcorp Genetics (formerly Invitae), Labcorp); PubMed 11207361 (cited by Labcorp Genetics (formerly Invitae), Labcorp); PubMed 12107819 (cited by Labcorp Genetics (formerly Invitae), Labcorp); PubMed 16254002 (cited by Labcorp Genetics (formerly Invitae), Labcorp).

NR_003051.3(RMRP):n.-9_1dup

Gene: RMRP (RNA component of mitochondrial RNA processing endoribonuclease; minus strand). Cytogenetic location: 9p13.3.
Variant type: Duplication.
Genome position: GRCh38 VCF-style: chr9-35658017-C-CCACGTCCTCA. GRCh37 (hg19) VCF-style: chr9-35658014-C-CCACGTCCTCA.
Identifiers: ClinVar variation 971991 (VCV000971991.10), dbSNP rs752934195, ClinGen allele CA1139660925.